The following is an entry in ClinVar:

NM_004100.5(EYA4):c.1633G>A (p.Val545Ile)

Genes: EYA4 (EYA transcriptional coactivator and phosphatase 4; plus strand), TARID (TCF21 antisense RNA inducing promoter demethylation; minus strand). Cytogenetic location: 6q23.2.
Variant type: single nucleotide variant.
Coding change: c.1633G>A on transcript NM_004100.5 (MANE Select); coding-DNA position 1633, G replaced by A.
Protein change: p.Val545Ile; replaces valine 545 with isoleucine.
Molecular consequence: missense variant.
Genome position (GRCh38, 1-based): chr6:133,523,072, G>A. VCF-style: chr6-133523072-G-A. GRCh37 (hg19) VCF-style: chr6-133844210-G-A.
Other names: c.1471G>A, p.Val491Ile (NM_001301012.2); c.1651G>A, p.Val551Ile (NM_001301013.2); c.1564G>A, p.Val522Ile (NM_001370458.1, NM_172103.4); c.1489G>A, p.Val497Ile (NM_001370459.1); c.1633G>A, p.Val545Ile (NM_172105.4); short protein forms V522I, V491I, V545I, V497I, V551I.
Identifiers: ClinVar variation 642254 (VCV000642254.8), dbSNP rs1583560856, ClinGen allele CA365698355.

ClinVar aggregate classification (germline): Uncertain significance (1 of 4 stars; one submission).

Conditions:
Dilated cardiomyopathy 1J (CMD1J). Also called: CARDIOMYOPATHY, DILATED, WITH SENSORINEURAL HEARING LOSS, AUTOSOMAL DOMINANT. Identifiers: Orphanet 217622, MedGen C1854368, MONDO:0011541, OMIM 605362.

Allele frequency attached by ClinVar (database versions not stated): gnomAD exomes 0.00001.
gnomAD v4.1: 3 of 1,611,932 alleles (0.00019%); highest among the groups gnomAD compares: South Asian, 0.0033%; no homozygotes.

Submission:

Labcorp Genetics (formerly Invitae), Labcorp
Classification: Uncertain significance for Dilated cardiomyopathy 1J. Last evaluated: 2018-11-07. Review status: criteria provided, single submitter. Criteria: Invitae Variant Classification Sherloc (09022015). Collection method: clinical testing. Allele origin: germline.
Comment: This variant is not present in population databases (ExAC no frequency). This sequence change replaces valine with isoleucine at codon 545 of the EYA4 protein (p.Val545Ile). The valine residue is highly conserved and there is a small physicochemical difference between valine and isoleucine. In summary, the available evidence is currently insufficient to determine the role of this variant in disease. Therefore, it has been classified as a Variant of Uncertain Significance. Algorithms developed to predict the effect of missense changes on protein structure and function are either unavailable or do not agree on the potential impact of this missense change (SIFT: "Deleterious"; PolyPhen-2: "Benign"; Align-GVGD: "Class C25"). This variant has not been reported in the literature in individuals with EYA4-related disease.